The following is an entry in ClinVar:

NM_000038.6(APC):c.3140A>C (p.Glu1047Ala)

Gene: APC (APC regulator of Wnt signaling pathway; plus strand). Cytogenetic location: 5q22.2.
Variant type: single nucleotide variant.
Coding change: c.3140A>C on transcript NM_000038.6 (MANE Select); coding-DNA position 3140, A replaced by C.
Protein change: p.Glu1047Ala; replaces glutamic acid 1047 with alanine.
Molecular consequence: missense variant.
Genome position (GRCh38, 1-based): chr5:112,838,734, A>C. VCF-style: chr5-112838734-A-C. GRCh37 (hg19) VCF-style: chr5-112174431-A-C.
Other names: c.3140A>C, p.Glu1047Ala (NM_001127510.3, NM_001354895.2); c.3086A>C, p.Glu1029Ala (NM_001127511.3); c.3194A>C, p.Glu1065Ala (NM_001354896.2); c.3170A>C, p.Glu1057Ala (NM_001354897.2); c.3065A>C, p.Glu1022Ala (NM_001354898.2); c.3056A>C, p.Glu1019Ala (NM_001354899.2); c.3017A>C, p.Glu1006Ala (NM_001354900.2); c.2963A>C, p.Glu988Ala (NM_001354901.2); and 5 more; short protein forms E1047A, E1065A, E1022A, E1029A, E764A, E1019A, E1057A, E887A.
Identifiers: ClinVar variation 836305 (VCV000836305.15), dbSNP rs1292530466, ClinGen allele CA16028214.

ClinVar aggregate classification (germline): Uncertain significance. Review status: criteria provided, multiple submitters, no conflicts (2 of 4 stars). 3 submissions from 3 submitters: Uncertain significance (3). Last evaluated 2026-01-05.

Conditions:
Hereditary cancer-predisposing syndrome. Also called: Hereditary neoplastic syndrome; Neoplastic Syndromes, Hereditary; Tumor predisposition; Hereditary Cancer Syndrome. Identifiers: Orphanet 140162, MedGen C0027672, MeSH D009386, MONDO:0015356.
Familial adenomatous polyposis 1 (FAP1). Also called: POLYPOSIS, ADENOMATOUS INTESTINAL; FAMILIAL ADENOMATOUS POLYPOSIS 1, ATTENUATED. Identifiers: MedGen C2713442, MONDO:0021056, OMIM 175100. Disease mechanism: loss of function.

Submissions (3):

Labcorp Genetics (formerly Invitae), Labcorp
Classification: Uncertain significance for Familial adenomatous polyposis 1. Last evaluated: 2026-01-05. Review status: criteria provided, single submitter. Criteria: Invitae Variant Classification Sherloc (09022015). Collection method: clinical testing. Allele origin: germline.
Comment: This sequence change replaces glutamic acid, which is acidic and polar, with alanine, which is neutral and non-polar, at codon 1047 of the APC protein (p.Glu1047Ala). This variant is not present in population databases (gnomAD no frequency). This variant has not been reported in the literature in individuals affected with APC-related conditions. ClinVar contains an entry for this variant (Variation ID: 836305). Invitae Evidence Modeling of protein sequence and biophysical properties (such as structural, functional, and spatial information, amino acid conservation, physicochemical variation, residue mobility, and thermodynamic stability) indicates that this missense variant is not expected to disrupt APC protein function with a negative predictive value of 95%. In summary, the available evidence is currently insufficient to determine the role of this variant in disease. Therefore, it has been classified as a Variant of Uncertain Significance.

Ambry Genetics
Classification: Uncertain significance for Hereditary cancer-predisposing syndrome. Last evaluated: 2025-03-06. Review status: criteria provided, single submitter. Criteria: Ambry Variant Classification Scheme 2023. Collection method: clinical testing. Allele origin: germline.
Comment: The p.E1047A variant (also known as c.3140A>C), located in coding exon 15 of the APC gene, results from an A to C substitution at nucleotide position 3140. The glutamic acid at codon 1047 is replaced by alanine, an amino acid with dissimilar properties. This amino acid position is highly conserved in available vertebrate species. In addition, in silico predictors for this gene do not accurately predict pathogenicity. Since supporting evidence is limited at this time, the clinical significance of this alteration remains unclear.

Baylor Genetics
Classification: Uncertain significance for Familial adenomatous polyposis 1. Last evaluated: 2024-03-20. Review status: criteria provided, single submitter. Criteria: ACMG Guidelines, 2015. Collection method: clinical testing. Allele origin: unknown.